The following is an entry in ClinVar:

ClinVar aggregate classification (germline): Likely benign. Review status: criteria provided, multiple submitters, no conflicts (2 of 4 stars). 2 submissions from 2 submitters: Likely benign (2). Last evaluated 2026-01-08.

Conditions:
Mucopolysaccharidosis, MPS-II (MPS2). Also called: Mucopolysaccharidosis with skin involvement; Attenuated MPS (subtype; formerly known as mild MPS II); Severe MPS II; I2S deficiency; MPS 2; Hunter Syndrome. Identifiers: Orphanet 580, Orphanet 79388, MedGen C0026705, MONDO:0010674, OMIM 309900.
IDS-related disorder. Also called: IDS-related condition.

Allele frequency attached by ClinVar (database versions not stated): gnomAD exomes 0.00001 and 0.00002; TOPMed 0.00005.

Submissions (2):

Labcorp Genetics (formerly Invitae), Labcorp
Classification: Likely benign for Mucopolysaccharidosis, MPS-II. Last evaluated: 2026-01-08. Review status: criteria provided, single submitter. Criteria: Invitae Variant Classification Sherloc (09022015). Collection method: clinical testing. Allele origin: germline.

PreventionGenetics, part of Exact Sciences
Classification: Likely benign for IDS-related condition. Last evaluated: 2025-02-05. Review status: criteria provided, single submitter. Criteria: ACMG Guidelines, 2015. Collection method: clinical testing. Allele origin: germline.
Comment: This variant is classified as likely benign based on ACMG/AMP sequence variant interpretation guidelines (Richards et al. 2015 PMID: 25741868, with internal and published modifications).

NM_000202.8(IDS):c.147C>T (p.Pro49=)

Gene: IDS (iduronate 2-sulfatase; minus strand). Cytogenetic location: Xq28.
Variant type: single nucleotide variant.
Coding change: c.147C>T on transcript NM_000202.8 (MANE Select); coding-DNA position 147, C replaced by T.
Protein change: p.Pro49=; no amino-acid change (proline 49 retained).
Molecular consequence: synonymous variant. On other transcripts: 5 prime UTR variant (1), non-coding transcript variant (1).
Genome position (GRCh38, 1-based): chrX:149,504,250, G>A on the plus strand (C>T on the coding strand, the complement: IDS is on the minus strand). VCF-style: chrX-149504250-G-A. GRCh37 (hg19) VCF-style: chrX-148585780-G-A.
Other names: c.147C>T (NM_000202.7); c.-80C>T (NM_001166550.4); c.147C>T, p.Pro49= (NM_006123.5).
Identifiers: ClinVar variation 978495 (VCV000978495.8), dbSNP rs1557340415, ClinGen allele CA519062381.